The following is an entry in ClinVar:

ClinVar aggregate classification (germline): Benign. Review status: criteria provided, multiple submitters, no conflicts (2 of 4 stars). 5 submissions from 4 submitters: Benign (5). Last evaluated 2021-09-10.

Conditions:
Congenital myopathy with fiber type disproportion. Also called: Congenital fiber-type disproportion myopathy; Congenital fiber-type disproportion. Identifiers: Orphanet 2020, MedGen C0546264, MONDO:0009711. Inheritance: all.
Congenital myopathy 4B, autosomal recessive. Also called: Nemaline myopathy 1, autosomal dominant or recessive. Identifiers: Orphanet 171433, Orphanet 171439, Orphanet 171881, MedGen C5829889, MONDO:0012239, OMIM 609284.

Allele frequency attached by ClinVar (database versions not stated): ExAC 0.60767; gnomAD exomes 0.60834; 1000 Genomes Project 0.73223; gnomAD 0.62465 and 0.62914; TOPMed 0.64666; 1000 Genomes Project 30x 0.73142; ESP Exome Variant Server 0.60218.
gnomAD v4.1: 879,506 of 1,585,680 alleles (55%); highest among the groups gnomAD compares: East Asian, 92%; 252,552 homozygotes.

Submissions (5):

Genome-Nilou Lab
Classification: Benign for Congenital myopathy 4B, autosomal recessive. Last evaluated: 2021-09-10. Review status: criteria provided, single submitter. Criteria: ACMG Guidelines, 2015. Collection method: clinical testing. Allele origin: germline. Affected: no.

Genome-Nilou Lab
Classification: Benign for Congenital myopathy 4A, autosomal dominant. Last evaluated: 2021-09-10. Review status: criteria provided, single submitter. Criteria: ACMG Guidelines, 2015. Collection method: clinical testing. Allele origin: germline. Affected: no.

GeneDx
Classification: Benign. Last evaluated: 2018-06-14. Review status: criteria provided, single submitter. Criteria: GeneDx Variant Classification (06012015). Collection method: clinical testing. Allele origin: germline. Affected: yes.
Comment: This variant is considered likely benign or benign based on one or more of the following criteria: it is a conservative change, it occurs at a poorly conserved position in the protein, it is predicted to be benign by multiple in silico algorithms, and/or has population frequency not consistent with disease.

Breakthrough Genomics
Classification: Benign. Review status: criteria provided, single submitter. Criteria: ACMG Guidelines, 2015. Collection method: not provided. Allele origin: germline. Inheritance: Autosomal dominant inheritance. Affected: yes.

PreventionGenetics, part of Exact Sciences
Classification: Benign. Review status: criteria provided, single submitter. Criteria: ACMG Guidelines, 2015. Collection method: clinical testing. Allele origin: germline.

NM_152263.4(TPM3):c.776-49T>C

Gene: TPM3 (tropomyosin 3; minus strand). Cytogenetic location: 1q21.3.
Variant type: single nucleotide variant.
Coding change: c.776-49T>C on transcript NM_152263.4 (MANE Select); 49 bases into the intron before coding-DNA position 776, T replaced by C.
Molecular consequence: intron variant.
Genome position (GRCh38, 1-based): chr1:154,169,432, A>G on the plus strand (T>C on the coding strand, the complement: TPM3 is on the minus strand). VCF-style: chr1-154169432-A-G. GRCh37 (hg19) VCF-style: chr1-154141908-A-G.
Other names: c.775+968T>C (NM_001364679.2, NM_001364681.2, NM_001364680.2); c.466+968T>C (NM_001278188.2); c.664+968T>C (NM_001043351.2, NM_001043353.2, NM_153649.4 and 1 more transcripts); c.665-49T>C (NM_001349679.2, NM_001278189.2, NM_001364683.1); c.601+968T>C (NM_001278190.2); c.394+968T>C (NM_001278191.2); c.776-49T>C (NM_001364682.1).
Identifiers: ClinVar variation 262627 (VCV000262627.6), dbSNP rs4845364, ClinGen allele CA1125520.
Genomic context (GRCh38, chr1:154,169,432, plus strand): 5'-CATAGAGCTCATCTGGACAGGCACAGGAACCACAGGGAGGAATGAGGGGACAGAGTGAAG[A>G]GTTTCAGAAGCAGATGAAGAGAGGGAATCATTAGAAATTAGGAAAGTGTGACTGTGGGTC-3'